The following is an entry in ClinVar:

ClinVar aggregate classification (germline): Pathogenic/Likely pathogenic. Review status: criteria provided, multiple submitters, no conflicts (2 of 4 stars). 4 submissions from 4 submitters: Pathogenic (2); Likely pathogenic (2). Last evaluated 2024-02-15.

Conditions:
Breast-ovarian cancer, familial, susceptibility to, 3. Also called: RAD51C-Related Breast/Ovarian Cancer. Identifiers: Orphanet 145, MedGen C3150659, MONDO:0013253, OMIM 613399.
Fanconi anemia complementation group O. Also called: RAD51C-Related Fanconi Anemia. Identifiers: Orphanet 84, MedGen C3150653, MONDO:0013248, OMIM 613390.

Submissions (4):

Fulgent Genetics
Classification: Likely pathogenic for Fanconi anemia complementation group O; Breast-ovarian cancer, familial, susceptibility to, 3. Last evaluated: 2024-02-15. Review status: criteria provided, single submitter. Criteria: ACMG Guidelines, 2015. Collection method: clinical testing. Allele origin: germline.

Baylor Genetics
Classification: Likely pathogenic for Breast-ovarian cancer, familial, susceptibility to, 3. Last evaluated: 2022-10-29. Review status: criteria provided, single submitter. Criteria: ACMG Guidelines, 2015. Collection method: clinical testing. Allele origin: unknown.

Labcorp Genetics (formerly Invitae), Labcorp
Classification: Pathogenic for Fanconi anemia complementation group O. Last evaluated: 2022-02-24. Review status: criteria provided, single submitter. Criteria: Invitae Variant Classification Sherloc (09022015). Collection method: clinical testing. Allele origin: germline.
Comment: This sequence change creates a premature translational stop signal (p.Ile158Asnfs*2) in the RAD51C gene. It is expected to result in an absent or disrupted protein product. Loss-of-function variants in RAD51C are known to be pathogenic (PMID: 20400964, 21990120, 24800917). This variant is not present in population databases (gnomAD no frequency). This premature translational stop signal has been observed in individual(s) with breast cancer (PMID: 32427313). ClinVar contains an entry for this variant (Variation ID: 1069820). For these reasons, this variant has been classified as Pathogenic.

Hereditary Cancer Group, L’Institut d'Investigació Biomèdica de Bellvitge
Classification: Pathogenic for Breast-ovarian cancer, familial, susceptibility to, 3. Last evaluated: 2021-05-03. Review status: criteria provided, single submitter. Criteria: ACMG Guidelines, 2015. Collection method: curation. Allele origin: germline.

Literature cited by the submitters: PubMed 20400964 (cited by Labcorp Genetics (formerly Invitae), Labcorp); PubMed 21990120 (cited by Labcorp Genetics (formerly Invitae), Labcorp); PubMed 24800917 (cited by Labcorp Genetics (formerly Invitae), Labcorp); PubMed 32427313 (cited by Labcorp Genetics (formerly Invitae), Labcorp and Hereditary Cancer Group, L’Institut d'Investigació Biomèdica de Bellvitge).

NM_058216.3(RAD51C):c.472dup (p.Ile158fs)

Gene: RAD51C (RAD51 paralog C; plus strand). Cytogenetic location: 17q22.
Variant type: Duplication.
Coding change: c.472dup on transcript NM_058216.3 (MANE Select); coding-DNA position 472, one base duplicated (A; older notation c.472dupA).
Protein change: p.Ile158fs; shifts the reading frame from isoleucine 158.
Molecular consequence: frameshift variant.
Genome position (GRCh38, 1-based): chr17:58,696,760, A duplicated. VCF-style (leftmost placement, unchanged base first): chr17-58696759-T-TA. GRCh37 (hg19) VCF-style: chr17-56774120-T-TA.
Other names: c.472dupA (NM_058216.3); short protein forms I158fs.
Identifiers: ClinVar variation 1069820 (VCV001069820.11), dbSNP rs2143746162, ClinGen allele CA2499224760.
Genomic context (GRCh38, chr17:58,696,759, plus strand): 5'-GTTGGCAGTAGATGTGCAGATACCAGAATGTTTTGGAGGAGTGGCAGGTGAAGCAGTTTT[T>TA]ATTGATACAGAGGGAAGTTTTATGGTTGATAGAGTGGTAGACCTTGCTACTGCCTGCATT-3'